The following is an entry in ClinVar:

ClinVar aggregate classification (germline): Uncertain significance (1 of 4 stars; one submission).

Conditions:
Hereditary cancer-predisposing syndrome. Also called: Neoplastic Syndromes, Hereditary; Tumor predisposition; Hereditary neoplastic syndrome; Hereditary Cancer Syndrome. Identifiers: Orphanet 140162, MedGen C0027672, MeSH D009386, MONDO:0015356.

Submission:

Ambry Genetics
Classification: Uncertain significance for Hereditary cancer-predisposing syndrome. Last evaluated: 2026-08-04. Review status: criteria provided, single submitter. Criteria: Ambry Variant Classification Scheme 2023. Collection method: clinical testing. Allele origin: germline.
Comment: The p.R35G variant (also known as c.103C>G), located in coding exon 1 of the PTCH1 gene, results from a C to G substitution at nucleotide position 103. The arginine at codon 35 is replaced by glycine, an amino acid with dissimilar properties. This amino acid position is conserved. In addition, this alteration is predicted to be tolerated by in silico analysis. Based on the available evidence, the clinical significance of this variant remains unclear.

NM_000264.5(PTCH1):c.103C>G (p.Arg35Gly)

Genes: PTCH1 (patched 1; minus strand), LOC130002133 (ATAC-STARR-seq lymphoblastoid silent region 20071; plus strand). Cytogenetic location: 9q22.32.
Variant type: single nucleotide variant.
Coding change: c.103C>G on transcript NM_000264.5 (MANE Select); coding-DNA position 103, C replaced by G.
Protein change: p.Arg35Gly; replaces arginine 35 with glycine.
Molecular consequence: missense variant. On other transcripts: non-coding transcript variant (1), intron variant (3).
Genome position (GRCh38, 1-based): chr9:95,508,259, G>C on the plus strand (C>G on the coding strand, the complement: PTCH1 is on the minus strand). VCF-style: chr9-95508259-G-C. GRCh37 (hg19) VCF-style: chr9-98270541-G-C.
Other names: c.103C>G, p.Arg35Gly (NM_001354918.2); c.199-1660C>G (NM_001083603.3); c.4-1660C>G (NM_001083602.3, NM_001354919.2); short protein forms R35G.
Identifiers: ClinVar variation 5027533 (VCV005027533.1).
Genomic context (GRCh38, chr9:95,508,259, plus strand): 5'-AGCTGGGCCGGTGCAGATAGTCCCGGTCCGGCGCGGCAGCACGGCGCAGCCCCCCCGTCC[G>C]TCTGCGCCTCCCGCCTCCAGCCGGCCGTCCCGGGGCACCGATACAGCCGCTGCCGCCGCC-3'
Protein context (NP_000255.2, residues 25-45): GRPAGGGRRR[Arg35Gly]TGGLRRAAAP